The following is an entry in ClinVar:

NM_015047.3(EMC1):c.644T>C (p.Val215Ala)

Genes: EMC1 (ER membrane protein complex subunit 1; minus strand), EMC1-AS1 (EMC1 antisense RNA 1; plus strand). Cytogenetic location: 1p36.13.
Variant type: single nucleotide variant.
Coding change: c.644T>C on transcript NM_015047.3 (MANE Select); coding-DNA position 644, T replaced by C.
Protein change: p.Val215Ala; replaces valine 215 with alanine.
Molecular consequence: missense variant. On other transcripts: non-coding transcript variant (1).
Genome position (GRCh38, 1-based): chr1:19,240,439, A>G on the plus strand (T>C on the coding strand, the complement: EMC1 is on the minus strand). VCF-style: chr1-19240439-A-G. GRCh37 (hg19) VCF-style: chr1-19566933-A-G.
Other names: c.644T>C, p.Val215Ala (NM_001271427.2, NM_001271428.2, NM_001375820.1 and 1 more transcripts); c.578T>C, p.Val193Ala (NM_001271429.2); short protein forms V215A, V193A.
Identifiers: ClinVar variation 3699662 (VCV003699662.2).

ClinVar aggregate classification (germline): Uncertain significance (1 of 4 stars; one submission).

gnomAD v4.1: 3 of 1,613,902 alleles (0.00019%); highest among the groups gnomAD compares: Non-Finnish European, 0.00025%; no homozygotes.

Submission:

Labcorp Genetics (formerly Invitae), Labcorp
Classification: Uncertain significance. Last evaluated: 2024-09-24. Review status: criteria provided, single submitter. Criteria: Invitae Variant Classification Sherloc (09022015). Collection method: clinical testing. Allele origin: germline.
Comment: This sequence change replaces valine, which is neutral and non-polar, with alanine, which is neutral and non-polar, at codon 215 of the EMC1 protein (p.Val215Ala). This variant is present in population databases (no rsID available, gnomAD 0.007%). This variant has not been reported in the literature in individuals affected with EMC1-related conditions. Invitae Evidence Modeling of protein sequence and biophysical properties (such as structural, functional, and spatial information, amino acid conservation, physicochemical variation, residue mobility, and thermodynamic stability) has been performed for this missense variant. However, the output from this modeling did not meet the statistical confidence thresholds required to predict the impact of this variant on EMC1 protein function. In summary, the available evidence is currently insufficient to determine the role of this variant in disease. Therefore, it has been classified as a Variant of Uncertain Significance.